The following is an entry in ClinVar:

NM_000340.2(SLC2A2):c.1250C>T (p.Pro417Leu)

Gene: SLC2A2 (solute carrier family 2 member 2; minus strand). Cytogenetic location: 3q26.2.
Variant type: single nucleotide variant.
Coding change: c.1250C>T on transcript NM_000340.2 (MANE Select); coding-DNA position 1250, C replaced by T.
Protein change: p.Pro417Leu; replaces proline 417 with leucine.
Molecular consequence: missense variant.
Genome position (GRCh38, 1-based): chr3:170,998,317, G>A on the plus strand (C>T on the coding strand, the complement: SLC2A2 is on the minus strand). VCF-style: chr3-170998317-G-A. GRCh37 (hg19) VCF-style: chr3-170716106-G-A.
Other names: c.893C>T, p.Pro298Leu (NM_001278658.2); c.731C>T, p.Pro244Leu (NM_001278659.2); c.1250C>T (NM_000340.1); short protein forms P417L, P244L, P298L.
Identifiers: ClinVar variation 16095 (VCV000016095.6), dbSNP rs121909744, ClinGen allele CA019992.

ClinVar aggregate classification (germline): Pathogenic/Likely pathogenic. Review status: criteria provided, multiple submitters, no conflicts (2 of 4 stars). 4 submissions from 4 submitters: Pathogenic (2); Likely pathogenic (1). 1 of the submissions does not count toward it. Last evaluated 2024-03-25.

Conditions:
Fanconi-Bickel syndrome (FBS). Also called: PSEUDO-PHLORIZIN DIABETES; Glycogen storage disease due to GLUT2 deficiency; FANCONI SYNDROME WITH INTESTINAL MALABSORPTION AND GALACTOSE INTOLERANCE; HEPATIC GLYCOGENOSIS WITH AMINO ACIDURIA AND GLUCOSURIA; HEPATIC GLYCOGENOSIS WITH FANCONI NEPHROPATHY; HEPATORENAL GLYCOGENOSIS WITH RENAL FANCONI SYNDROME. Identifiers: Orphanet 2088, MedGen C3495427, MONDO:0009216, OMIM 227810.

Allele frequency attached by ClinVar (database versions not stated): gnomAD exomes 0.00001.
gnomAD v4.1: 14 of 1,613,606 alleles (0.00087%); highest among the groups gnomAD compares: Admixed American, 0.0067%; no homozygotes.

Submissions (4):

Genomic Medicine Center of Excellence, King Faisal Specialist Hospital and Research Centre
Classification: Pathogenic for Fanconi-Bickel syndrome. Last evaluated: 2024-03-25. Review status: criteria provided, single submitter. Criteria: ACMG Guidelines, 2015. Collection method: clinical testing. Allele origin: germline.

3billion
Classification: Pathogenic for Fanconi-Bickel syndrome. Last evaluated: 2023-12-20. Review status: criteria provided, single submitter. Criteria: ACMG Guidelines, 2015. Collection method: clinical testing. Allele origin: germline. Affected: yes.
Comment: The variant is observed at an extremely low frequency in the gnomAD v2.1.1 dataset (total allele frequency: 0.001%). Predicted Consequence/Location: The majority of the known disease-causing variants of this gene are variants expected to result in premature termination of the protein. In silico tool predictions suggest damaging effect of the variant on gene or gene product [REVEL: 0.82 (>=0.6, sensitivity 0.68 and specificity 0.92)]. Same nucleotide change resulting in same amino acid change has been previously reported as pathogenic/likely pathogenic with strong evidence (ClinVar ID: VCV000016095 /PMID: 10987651 /3billion dataset). The variant has been reported to co-segregate with the disease in at least 5 similarly affected relatives/individuals in the same family or similarly affected unrelated family (PMID: 10987651). Therefore, this variant is classified as Pathogenic according to the recommendation of ACMG/AMP guideline.

Pathology and Clinical Laboratory Medicine, King Fahad Medical City
Classification: Likely pathogenic for Fanconi-Bickel syndrome. Review status: criteria provided, single submitter. Criteria: ACMG Guidelines, 2015. Collection method: clinical testing. Allele origin: germline. Affected: yes. Observed: 4 variant alleles.

OMIM
Classification: Pathogenic for FANCONI-BICKEL SYNDROME. Last evaluated: 1999-09-01. Review status: no assertion criteria provided. Collection method: literature only. Allele origin: germline. Not counted in ClinVar's aggregate classification.

Literature cited by the submitters: PubMed 10987651 (cited by 3billion and OMIM); PubMed 8362811 (cited by OMIM).